The following is an entry in ClinVar:

NM_001134363.3(RBM20):c.2723T>C (p.Leu908Pro)

Gene: RBM20 (RNA binding motif protein 20; plus strand). Cytogenetic location: 10q25.2.
Variant type: single nucleotide variant.
Coding change: c.2723T>C on transcript NM_001134363.3 (MANE Select); coding-DNA position 2723, T replaced by C.
Protein change: p.Leu908Pro; replaces leucine 908 with proline.
Molecular consequence: missense variant.
Genome position (GRCh38, 1-based): chr10:110,821,342, T>C. VCF-style: chr10-110821342-T-C. GRCh37 (hg19) VCF-style: chr10-112581100-T-C.
Other names: short protein forms L908P.
Identifiers: ClinVar variation 43994 (VCV000043994.8), dbSNP rs397516604, ClinGen allele CA133326.

ClinVar aggregate classification (germline): Uncertain significance. Review status: criteria provided, multiple submitters, no conflicts (2 of 4 stars). 3 submissions from 3 submitters: Uncertain significance (3). Last evaluated 2024-05-17.

Conditions:
Cardiovascular phenotype. Identifiers: MedGen CN230736.
Dilated cardiomyopathy 1DD (CMD1DD). Identifiers: Orphanet 154, MedGen C2750995, MONDO:0013168, OMIM 613172.

Submissions (3):

Labcorp Genetics (formerly Invitae), Labcorp
Classification: Uncertain significance for Dilated cardiomyopathy 1DD. Last evaluated: 2024-05-17. Review status: criteria provided, single submitter. Criteria: Invitae Variant Classification Sherloc (09022015). Collection method: clinical testing. Allele origin: germline.
Comment: This sequence change replaces leucine, which is neutral and non-polar, with proline, which is neutral and non-polar, at codon 908 of the RBM20 protein (p.Leu908Pro). This variant is not present in population databases (gnomAD no frequency). This missense change has been observed in individual(s) with clinical features of dilated cardiomyopathy (PMID: 29892087). ClinVar contains an entry for this variant (Variation ID: 43994). Advanced modeling of protein sequence and biophysical properties (such as structural, functional, and spatial information, amino acid conservation, physicochemical variation, residue mobility, and thermodynamic stability) has been performed at Invitae for this missense variant, however the output from this modeling did not meet the statistical confidence thresholds required to predict the impact of this variant on RBM20 protein function. In summary, the available evidence is currently insufficient to determine the role of this variant in disease. Therefore, it has been classified as a Variant of Uncertain Significance.

Ambry Genetics
Classification: Uncertain significance for Cardiovascular phenotype. Last evaluated: 2023-07-10. Review status: criteria provided, single submitter. Criteria: Ambry General Variant Classification Scheme_2022. Collection method: clinical testing. Allele origin: germline.
Comment: The p.L908P variant (also known as c.2723T>C), located in coding exon 11 of the RBM20 gene, results from a T to C substitution at nucleotide position 2723. The leucine at codon 908 is replaced by proline, an amino acid with similar properties. This alteration has been reported in association with dilated cardiomyopathy (DCM) (Parikh VN et al. Circ Heart Fail, 2019 Mar;12:e005371; Horvat C et al. Genet Med, 2019 Jan;21:133-143). This amino acid position is highly conserved in available vertebrate species. In addition, the in silico prediction for this alteration is inconclusive. Since supporting evidence is limited at this time, the clinical significance of this alteration remains unclear.

Laboratory for Molecular Medicine, Mass General Brigham Personalized Medicine
Classification: Uncertain significance. Last evaluated: 2012-04-30. Review status: criteria provided, single submitter. Criteria: LMM Criteria. Collection method: clinical testing. Allele origin: germline. Observed: 1 variant allele.
Comment: The Leu908Pro variant (RBM20) has not been reported in the literature nor previo usly identified by our laboratory. Computational analyses (biochemical amino aci d properties, conservation, PolyPhen2, and SIFT) suggest that this variant may i mpact the protein, though this information is not predictive enough to determine pathogenicity. Additional information is needed to fully assess the clinical si gnificance of the Leu908Pro variant.

Literature cited by the submitters: PubMed 29892087 (cited by Labcorp Genetics (formerly Invitae), Labcorp and Ambry Genetics); PubMed 30871351 (cited by Ambry Genetics).